The following is an entry in ClinVar:

ClinVar aggregate classification (germline): Uncertain significance (1 of 4 stars; one submission).

Submission:

Labcorp Genetics (formerly Invitae), Labcorp
Classification: Uncertain significance. Last evaluated: 2024-01-29. Review status: criteria provided, single submitter. Criteria: Invitae Variant Classification Sherloc (09022015). Collection method: clinical testing. Allele origin: germline.
Comment: This sequence change replaces histidine, which is basic and polar, with tyrosine, which is neutral and polar, at codon 211 of the RHO protein (p.His211Tyr). This variant is not present in population databases (gnomAD no frequency). This variant has not been reported in the literature in individuals affected with RHO-related conditions. ClinVar contains an entry for this variant (Variation ID: 954851). Advanced modeling of protein sequence and biophysical properties (such as structural, functional, and spatial information, amino acid conservation, physicochemical variation, residue mobility, and thermodynamic stability) has been performed at Invitae for this missense variant, however the output from this modeling did not meet the statistical confidence thresholds required to predict the impact of this variant on RHO protein function. This variant disrupts the p.His211 amino acid residue in RHO. Other variant(s) that disrupt this residue have been observed in individuals with RHO-related conditions (PMID: 1765377, 8317502, 26496393), which suggests that this may be a clinically significant amino acid residue. In summary, the available evidence is currently insufficient to determine the role of this variant in disease. Therefore, it has been classified as a Variant of Uncertain Significance.

Literature cited by the submitters: PubMed 1765377; PubMed 8317502; PubMed 26496393.

NM_000539.3(RHO):c.631C>T (p.His211Tyr)

Gene: RHO (rhodopsin; plus strand). Cytogenetic location: 3q22.1.
Variant type: single nucleotide variant.
Coding change: c.631C>T on transcript NM_000539.3 (MANE Select); coding-DNA position 631, C replaced by T.
Protein change: p.His211Tyr; replaces histidine 211 with tyrosine.
Molecular consequence: missense variant.
Genome position (GRCh38, 1-based): chr3:129,532,351, C>T. VCF-style: chr3-129532351-C-T. GRCh37 (hg19) VCF-style: chr3-129251194-C-T.
Other names: short protein forms H211Y.
Identifiers: ClinVar variation 954851 (VCV000954851.9), dbSNP rs2084786563, ClinGen allele CA354469892.